The following is an entry in ClinVar:

ClinVar aggregate classification (germline): Uncertain significance. Review status: criteria provided, multiple submitters, no conflicts (2 of 4 stars). 2 submissions from 2 submitters: Uncertain significance (2). Last evaluated 2022-02-13.

Allele frequency attached by ClinVar (database versions not stated): gnomAD exomes 0.00001; TOPMed 0.00001; ExAC 0.00002.
gnomAD v4.1: 14 of 1,613,980 alleles (0.00087%); highest among the groups gnomAD compares: African/African-American, 0.0027%; 1 homozygote.

Submissions (2):

Labcorp Genetics (formerly Invitae), Labcorp
Classification: Uncertain significance. Last evaluated: 2022-02-13. Review status: criteria provided, single submitter. Criteria: Invitae Variant Classification Sherloc (09022015). Collection method: clinical testing. Allele origin: germline.
Comment: This sequence change replaces isoleucine, which is neutral and non-polar, with valine, which is neutral and non-polar, at codon 4773 of the ADGRV1 protein (p.Ile4773Val). This variant is present in population databases (rs775774768, gnomAD 0.002%). This variant has not been reported in the literature in individuals affected with ADGRV1-related conditions. ClinVar contains an entry for this variant (Variation ID: 287059). Algorithms developed to predict the effect of missense changes on protein structure and function output the following: SIFT: "Tolerated"; PolyPhen-2: "Possibly Damaging"; Align-GVGD: "Class C0". The valine amino acid residue is found in multiple mammalian species, which suggests that this missense change does not adversely affect protein function. In summary, the available evidence is currently insufficient to determine the role of this variant in disease. Therefore, it has been classified as a Variant of Uncertain Significance.

Eurofins Ntd Llc (ga)
Classification: Uncertain significance. Last evaluated: 2016-04-19. Review status: criteria provided, single submitter. Criteria: EGL Classification Definitions 2015. Collection method: clinical testing. Allele origin: germline. Observed: 1 variant allele, 1 heterozygote.

NM_032119.4(ADGRV1):c.14317A>G (p.Ile4773Val)

Gene: ADGRV1 (adhesion G protein-coupled receptor V1; plus strand). Cytogenetic location: 5q14.3.
Variant type: single nucleotide variant.
Coding change: c.14317A>G on transcript NM_032119.4 (MANE Select); coding-DNA position 14317, A replaced by G.
Protein change: p.Ile4773Val; replaces isoleucine 4773 with valine.
Molecular consequence: missense variant. On other transcripts: non-coding transcript variant (1).
Genome position (GRCh38, 1-based): chr5:90,791,146, A>G. VCF-style: chr5-90791146-A-G. GRCh37 (hg19) VCF-style: chr5-90086963-A-G.
Other names: short protein forms I4773V.
Identifiers: ClinVar variation 287059 (VCV000287059.10), dbSNP rs775774768, ClinGen allele CA3341705.
Genomic context (GRCh38, chr5:90,791,146, plus strand): 5'-TCTGTTTATGCAAATGATGACCCACATGGAGTATTTGCCCTGTATTCGGATCGCCAGTCA[A>G]TACTTATTGGGCAGAACCTTATTAGATCCATCCAAATTAACATAACCCGGCTTGCTGGAA-3'
Protein context (NP_115495.3, residues 4763-4783): VFALYSDRQS[Ile4773Val]LIGQNLIRSI